The following is an entry in ClinVar:

NM_001128840.3(CACNA1D):c.1379G>C (p.Gly460Ala)

Gene: CACNA1D (calcium voltage-gated channel subunit alpha1 D; plus strand). Cytogenetic location: 3p21.1.
Variant type: single nucleotide variant.
Coding change: c.1379G>C on transcript NM_001128840.3 (MANE Select); coding-DNA position 1379, G replaced by C.
Protein change: p.Gly460Ala; replaces glycine 460 with alanine.
Molecular consequence: missense variant.
Genome position (GRCh38, 1-based): chr3:53,702,799, G>C. VCF-style: chr3-53702799-G-C. GRCh37 (hg19) VCF-style: chr3-53736826-G-C.
Other names: c.1379G>C, p.Gly460Ala (NM_000720.4, NM_001128839.3); short protein forms G460A.
Identifiers: ClinVar variation 4872831 (VCV004872831.2).

ClinVar aggregate classification (germline): Uncertain significance (1 of 4 stars; one submission).

Submission:

CeGaT Center for Human Genetics Tuebingen
Classification: Uncertain significance. Last evaluated: 2026-04-01. Review status: criteria provided, single submitter. Criteria: CeGaT Center For Human Genetics Tuebingen Variant Classification Criteria Version 2. Collection method: clinical testing. Allele origin: germline. Affected: yes. Observed: 1 variant allele.
Comment: CACNA1D: PM2